The following is an entry in ClinVar:

NM_018344.6(SLC29A3):c.607T>C (p.Ser203Pro)

Gene: SLC29A3 (solute carrier family 29 member 3; plus strand). Cytogenetic location: 10q22.1.
Variant type: single nucleotide variant.
Coding change: c.607T>C on transcript NM_018344.6 (MANE Select); coding-DNA position 607, T replaced by C.
Protein change: p.Ser203Pro; replaces serine 203 with proline.
Molecular consequence: missense variant. On other transcripts: non-coding transcript variant (1).
Genome position (GRCh38, 1-based): chr10:71,351,785, T>C. VCF-style: chr10-71351785-T-C. GRCh37 (hg19) VCF-style: chr10-73111542-T-C.
Other names: c.607T>C, p.Ser203Pro (NM_001174098.2); c.373T>C, p.Ser125Pro (NM_001363518.2); short protein forms S203P, S125P.
Identifiers: ClinVar variation 39871 (VCV000039871.4), dbSNP rs397514626, ClinGen allele CA130662.

ClinVar aggregate classification (germline): Uncertain significance. Review status: criteria provided, single submitter (1 of 4 stars). 2 submissions from 2 submitters: Uncertain significance (1). 1 of the submissions does not count toward it. Last evaluated 2025-11-28.

Conditions:
H syndrome. Also called: FAISALABAD HISTIOCYTOSIS; Pigmented hypertrichosis and insulin-dependent diabetes mellitus; HISTIOCYTOSIS AND LYMPHADENOPATHY WITH OR WITHOUT CUTANEOUS, CARDIAC, AND/OR ENDOCRINE FEATURES, JOINT CONTRACTURES, AND/OR DEAFNESS; HYPERPIGMENTATION, CUTANEOUS, WITH HYPERTRICHOSIS, HEPATOSPLENOMEGALY, HEART ANOMALIES, AND HYPOGONADISM WITH OR WITHOUT HEARING LOSS; PIGMENTED HYPERTRICHOSIS WITH INSULIN-DEPENDENT DIABETES MELLITUS; ROSAI-DORFMAN DISEASE, FAMILIAL. Identifiers: Orphanet 168569, MedGen C1864445, MONDO:0011273, OMIM 602782.

Allele frequency attached by ClinVar (database versions not stated): gnomAD exomes below 0.00001 and 0.00001; ExAC 0.00002; TOPMed below 0.00001.
gnomAD v4.1: 5 of 1,610,720 alleles (0.00031%); highest among the groups gnomAD compares: East Asian, 0.0022%; no homozygotes.

Submissions (2):

Labcorp Genetics (formerly Invitae), Labcorp
Classification: Uncertain significance for H syndrome. Last evaluated: 2025-11-28. Review status: criteria provided, single submitter. Criteria: Invitae Variant Classification Sherloc (09022015). Collection method: clinical testing. Allele origin: germline.
Comment: This sequence change replaces serine, which is neutral and polar, with proline, which is neutral and non-polar, at codon 203 of the SLC29A3 protein (p.Ser203Pro). This variant is present in population databases (rs397514626, gnomAD 0.007%). This missense change has been observed in individuals with dysosteosclerosis and/or SLC29A3-related conditions (PMID: 22875837, 34686905; internal data). ClinVar contains an entry for this variant (Variation ID: 39871). Invitae Evidence Modeling of protein sequence and biophysical properties (such as structural, functional, and spatial information, amino acid conservation, physicochemical variation, residue mobility, and thermodynamic stability) has been performed for this missense variant. However, the output from this modeling did not meet the statistical confidence thresholds required to predict the impact of this variant on SLC29A3 protein function. In summary, the available evidence is currently insufficient to determine the role of this variant in disease. Therefore, it has been classified as a Variant of Uncertain Significance.

OMIM
Classification: Pathogenic for HISTIOCYTOSIS-LYMPHADENOPATHY PLUS SYNDROME. Last evaluated: 2012-11-15. Review status: no assertion criteria provided. Collection method: literature only. Allele origin: germline. Not counted in ClinVar's aggregate classification.

Literature cited by the submitters: PubMed 22875837 (cited by Labcorp Genetics (formerly Invitae), Labcorp and OMIM); PubMed 34686905 (cited by Labcorp Genetics (formerly Invitae), Labcorp).